The following is an entry in ClinVar:

ClinVar aggregate classification (germline): Conflicting classifications of pathogenicity. Review status: criteria provided, conflicting classifications (1 of 4 stars). 4 submissions from 4 submitters: Uncertain significance (2); Likely benign (2). Last evaluated 2026-02-02.

Conditions:
GLUT1 deficiency syndrome 1, autosomal recessive. Identifiers: MedGen C3149117.

Allele frequency attached by ClinVar (database versions not stated): ExAC 0.00002; gnomAD exomes 0.00002; gnomAD 0.00003 and 0.00004; TOPMed 0.00014.
gnomAD v4.1: 20 of 1,600,856 alleles (0.0012%); highest among the groups gnomAD compares: Admixed American, 0.022%; no homozygotes.

Submissions (4):

Labcorp Genetics (formerly Invitae), Labcorp
Classification: Likely benign for GLUT1 deficiency syndrome 1, autosomal recessive. Last evaluated: 2026-02-02. Review status: criteria provided, single submitter. Criteria: Invitae Variant Classification Sherloc (09022015). Collection method: clinical testing. Allele origin: germline.

GeneDx
Classification: Likely benign. Last evaluated: 2017-12-01. Review status: criteria provided, single submitter. Criteria: GeneDx Variant Classification (06012015). Collection method: clinical testing. Allele origin: germline. Affected: yes.
Comment: This variant is considered likely benign or benign based on one or more of the following criteria: it is a conservative change, it occurs at a poorly conserved position in the protein, it is predicted to be benign by multiple in silico algorithms, and/or has population frequency not consistent with disease.

CeGaT Center for Human Genetics Tuebingen
Classification: Uncertain significance. Last evaluated: 2017-05-01. Review status: criteria provided, single submitter. Criteria: CeGaT Center For Human Genetics Tuebingen Variant Classification Criteria Version 2. Collection method: clinical testing. Allele origin: germline. Affected: yes. Observed: 1 variant allele.

Eurofins Ntd Llc (ga)
Classification: Uncertain significance. Last evaluated: 2012-11-27. Review status: criteria provided, single submitter. Criteria: EGL Classification Definitions 2015. Collection method: clinical testing. Allele origin: germline. Observed: 1 variant allele, 1 heterozygote.

NM_006516.4(SLC2A1):c.321C>T (p.Ala107=)

Gene: SLC2A1 (solute carrier family 2 member 1; minus strand). Cytogenetic location: 1p34.2.
Variant type: single nucleotide variant.
Coding change: c.321C>T on transcript NM_006516.4 (MANE Select); coding-DNA position 321, C replaced by T.
Protein change: p.Ala107=; no amino-acid change (alanine 107 retained).
Molecular consequence: synonymous variant.
Genome position (GRCh38, 1-based): chr1:42,930,821, G>A on the plus strand (C>T on the coding strand, the complement: SLC2A1 is on the minus strand). VCF-style: chr1-42930821-G-A. GRCh37 (hg19) VCF-style: chr1-43396492-G-A.
Identifiers: ClinVar variation 95410 (VCV000095410.56), dbSNP rs398124230, ClinGen allele CA019157.